The following is an entry in ClinVar:

ClinVar aggregate classification (germline): Uncertain significance. Review status: criteria provided, multiple submitters, no conflicts (2 of 4 stars). 3 submissions from 3 submitters: Uncertain significance (2). 1 of the submissions does not count toward it. Last evaluated 2025-09-05.

Conditions:
Hereditary cancer-predisposing syndrome. Also called: Neoplastic Syndromes, Hereditary; Tumor predisposition; Hereditary Cancer Syndrome; Hereditary neoplastic syndrome. Identifiers: Orphanet 140162, MedGen C0027672, MeSH D009386, MONDO:0015356.
Tuberous sclerosis syndrome (TSC). Also called: Tuberous Sclerosis Complex; Tuberous sclerosis. Identifiers: Orphanet 805, MedGen C0041341, MONDO:0001734.

Submissions (3):

Color Diagnostics, LLC DBA Color Health
Classification: Uncertain significance for Tuberous sclerosis syndrome. Last evaluated: 2025-09-05. Review status: criteria provided, single submitter. Criteria: ACMG Guidelines, 2015. Collection method: clinical testing. Allele origin: germline.
Comment: This missense variant replaces threonine with isoleucine at codon 1077 of the TSC2 protein. Computational prediction is inconclusive regarding the impact of this variant on protein structure and function. To our knowledge, functional studies have not been reported for this variant. This variant has not been reported in individuals affected with TSC2-related disorders in the literature. This variant has not been identified in the general population by the Genome Aggregation Database (gnomAD). The available evidence is insufficient to determine the role of this variant in disease conclusively. Therefore, this variant is classified as a Variant of Uncertain Significance.

Ambry Genetics
Classification: Uncertain significance for Hereditary cancer-predisposing syndrome. Last evaluated: 2025-08-19. Review status: criteria provided, single submitter. Criteria: Ambry Variant Classification Scheme 2023. Collection method: clinical testing. Allele origin: germline.
Comment: The p.T1077I variant (also known as c.3230C>T), located in coding exon 27 of the TSC2 gene, results from a C to T substitution at nucleotide position 3230. The threonine at codon 1077 is replaced by isoleucine, an amino acid with similar properties. This amino acid position is well conserved in available vertebrate species. In addition, this alteration is predicted to be deleterious by in silico analysis. Based on the available evidence, the clinical significance of this variant remains unclear.

Tuberous sclerosis database (TSC2)
No classification provided. Condition: TSC. Review status: no classification provided. Criteria: Tuberous Sclerosis Database Assertion Criteria 2015. Collection method: curation. Allele origin: germline. Affected: yes. Not counted in ClinVar's aggregate classification.

NM_000548.5(TSC2):c.3230C>T (p.Thr1077Ile)

Gene: TSC2 (TSC complex subunit 2; plus strand). Cytogenetic location: 16p13.3.
Variant type: single nucleotide variant.
Coding change: c.3230C>T on transcript NM_000548.5 (MANE Select); coding-DNA position 3230, C replaced by T.
Protein change: p.Thr1077Ile; replaces threonine 1077 with isoleucine.
Molecular consequence: missense variant.
Genome position (GRCh38, 1-based): chr16:2,079,374, C>T. VCF-style: chr16-2079374-C-T. GRCh37 (hg19) VCF-style: chr16-2129375-C-T.
Other names: c.3098C>T, p.Thr1033Ile (NM_001077183.3, NM_001370404.1); c.3230C>T, p.Thr1077Ile (NM_001114382.3); c.2990C>T, p.Thr997Ile (NM_001318827.2); c.2954C>T, p.Thr985Ile (NM_001318829.2); c.2498C>T, p.Thr833Ile (NM_001318831.2); c.3131C>T, p.Thr1044Ile (NM_001318832.2); c.3101C>T, p.Thr1034Ile (NM_001363528.2, NM_001370405.1, NM_021055.3); short protein forms T1077I, T833I, T985I, T1034I, T997I, T1033I, T1044I.
Identifiers: ClinVar variation 49804 (VCV000049804.4), dbSNP rs137854279, ClinGen allele CA018728.